The following is an entry in ClinVar:

NC_000009.12:g.(?_95135336)_(95249379_?)del

Gene: FANCC (FA complementation group C; minus strand). Cytogenetic location: 9q22.32.
Variant type: Deletion.
Identifiers: ClinVar variation 831704 (VCV000831704.5).

ClinVar aggregate classification (germline): Pathogenic (1 of 4 stars; one submission).

Conditions:
Fanconi anemia (FA). Also called: Fanconi's anemia. Identifiers: Orphanet 84, MedGen C0015625, MeSH D005199, MONDO:0019391.

Submission:

Labcorp Genetics (formerly Invitae), Labcorp
Classification: Pathogenic for Fanconi anemia. Last evaluated: 2019-07-18. Review status: criteria provided, single submitter. Criteria: Invitae Variant Classification Sherloc (09022015). Collection method: clinical testing. Allele origin: germline.
Comment: For these reasons, this variant has been classified as Pathogenic. Loss-of-function variants in FANCC are known to be pathogenic (PMID: 17924555). This variant has not been reported in the literature in individuals with FANCC-related conditions. This variant is a gross deletion of the genomic region encompassing exons 2-8 of the FANCC gene, which includes the initiator codon. The 5' end of this event is unknown as it extends beyond the assayed region for this gene and therefore may encompass additional genes. The 3' boundary is likely confined to intron 8 of the FANCC gene. This is expected to result in an absent or disrupted protein product.

Literature cited by the submitters: PubMed 17924555.